The following is an entry in ClinVar:

ClinVar aggregate classification (germline): Uncertain significance (0 of 4 stars; one submission).

Conditions:
SPEN-related disorder. Also called: SPEN-related condition.

Submission:

PreventionGenetics, part of Exact Sciences
Classification: Uncertain significance for SPEN-related condition. Last evaluated: 2024-08-02. Review status: no assertion criteria provided. Collection method: clinical testing. Allele origin: germline.
Comment: The SPEN c.9077C>T variant is predicted to result in the amino acid substitution p.Pro3026Leu. To our knowledge, this variant has not been reported in the literature or in a large population database, indicating this variant is rare. At this time, the clinical significance of this variant is uncertain due to the absence of conclusive functional and genetic evidence.

NM_015001.3(SPEN):c.9077C>T (p.Pro3026Leu)

Gene: SPEN (spen family transcriptional repressor; plus strand). Cytogenetic location: 1p36.13.
Variant type: single nucleotide variant.
Coding change: c.9077C>T on transcript NM_015001.3 (MANE Select); coding-DNA position 9077, C replaced by T.
Protein change: p.Pro3026Leu; replaces proline 3026 with leucine.
Molecular consequence: missense variant.
Genome position (GRCh38, 1-based): chr1:15,935,317, C>T. VCF-style: chr1-15935317-C-T. GRCh37 (hg19) VCF-style: chr1-16261812-C-T.
Other names: short protein forms P3026L.
Identifiers: ClinVar variation 3344915 (VCV003344915.1).
Genomic context (GRCh38, chr1:15,935,317, plus strand): 5'-GCATCCCAGCAGATCGAACTGTCTCCCATTTGGCAGCTGCAAAGCTAGATGCTCATTCTC[C>T]TCGACCAAGTGGACCCGGGCCATCCTCATTCCCAAGGGCAAGCCACCCCAGCAGTACTGC-3'
Protein context (NP_055816.2, residues 3016-3036): LAAAKLDAHS[Pro3026Leu]RPSGPGPSSF